The following is an entry in ClinVar:

ClinVar aggregate classification (germline): Uncertain significance (1 of 4 stars; one submission).

Conditions:
Anemia, nonspherocytic hemolytic, due to G6PD deficiency (CNSHA1). Also called: Hemolytic anemia due to G6PD deficiency; Class I glucose-6-phosphate dehydrogenase deficiency; Favism, susceptibility to; ANEMIA, CONGENITAL, NONSPHEROCYTIC HEMOLYTIC, 1. Identifiers: Orphanet 466026, MedGen C2720289, MONDO:0010480, OMIM 300908.

Allele frequency attached by ClinVar (database versions not stated): gnomAD 0.00003; ESP Exome Variant Server 0.00009; ExAC 0.00002; gnomAD exomes 0.00002.

Submission:

Labcorp Genetics (formerly Invitae), Labcorp
Classification: Uncertain significance for Anemia, nonspherocytic hemolytic, due to G6PD deficiency. Last evaluated: 2024-11-05. Review status: criteria provided, single submitter. Criteria: Invitae Variant Classification Sherloc (09022015). Collection method: clinical testing. Allele origin: germline.
Comment: This sequence change replaces aspartic acid, which is acidic and polar, with asparagine, which is neutral and polar, at codon 313 of the G6PD protein (p.Asp313Asn). This variant is present in population databases (rs150589041, gnomAD 0.006%). This variant has not been reported in the literature in individuals affected with G6PD-related conditions. ClinVar contains an entry for this variant (Variation ID: 2735532). Invitae Evidence Modeling of protein sequence and biophysical properties (such as structural, functional, and spatial information, amino acid conservation, physicochemical variation, residue mobility, and thermodynamic stability) indicates that this missense variant is not expected to disrupt G6PD protein function with a negative predictive value of 95%. In summary, the available evidence is currently insufficient to determine the role of this variant in disease. Therefore, it has been classified as a Variant of Uncertain Significance.

NM_001360016.2(G6PD):c.937G>A (p.Asp313Asn)

Gene: G6PD (glucose-6-phosphate dehydrogenase; minus strand). Cytogenetic location: Xq28.
Variant type: single nucleotide variant.
Coding change: c.937G>A on transcript NM_001360016.2 (MANE Select); coding-DNA position 937, G replaced by A.
Protein change: p.Asp313Asn; replaces aspartic acid 313 with asparagine.
Molecular consequence: missense variant.
Genome position (GRCh38, 1-based): chrX:154,533,056, C>T on the plus strand (G>A on the coding strand, the complement: G6PD is on the minus strand). VCF-style: chrX-154533056-C-T. GRCh37 (hg19) VCF-style: chrX-153761271-C-T.
Other names: c.1027G>A, p.Asp343Asn (NM_000402.4); c.937G>A, p.Asp313Asn (NM_001042351.3); short protein forms D343N, D313N.
Identifiers: ClinVar variation 2735532 (VCV002735532.2), dbSNP rs150589041, ClinGen allele CA10566109.